The following is an entry in ClinVar:

ClinVar aggregate classification (germline): Conflicting classifications of pathogenicity. Review status: criteria provided, conflicting classifications (1 of 4 stars). 4 submissions from 4 submitters: Uncertain significance (1); Likely benign (3). Last evaluated 2026-02-13.

Conditions:
DOCK2-related disorder. Also called: DOCK2-related condition.
DOCK2 deficiency. Also called: Immunodeficiency 40. Identifiers: Orphanet 447737, MedGen C4225328, MONDO:0014637, OMIM 616433.

Allele frequency attached by ClinVar (database versions not stated): 1000 Genomes Project 0.00080; gnomAD exomes 0.00082 and 0.00090; ESP Exome Variant Server 0.00092; ExAC 0.00100; gnomAD 0.00056 and 0.00060; 1000 Genomes Project 30x 0.00062; TOPMed 0.00065.
gnomAD v4.1: 1,285 of 1,610,866 alleles (0.08%); highest among the groups gnomAD compares: South Asian, 0.33%; 5 homozygotes.

Submissions (4):

PreventionGenetics, part of Exact Sciences
Classification: Likely benign for DOCK2-related condition. Last evaluated: 2026-02-13. Review status: criteria provided, single submitter. Criteria: ACMG Guidelines, 2015. Collection method: clinical testing. Allele origin: germline.
Comment: This variant is classified as likely benign based on ACMG/AMP sequence variant interpretation guidelines (Richards et al. 2015 PMID: 25741868, with internal and published modifications).

Labcorp Genetics (formerly Invitae), Labcorp
Classification: Likely benign for DOCK2 deficiency. Last evaluated: 2026-01-12. Review status: criteria provided, single submitter. Criteria: Invitae Variant Classification Sherloc (09022015). Collection method: clinical testing. Allele origin: germline.

Blueprint Genetics
Classification: Likely benign. Last evaluated: 2024-11-22. Review status: criteria provided, single submitter. Criteria: ACMG Guidelines, 2015. Collection method: clinical testing. Allele origin: germline.

Baylor Genetics
Classification: Uncertain significance for DOCK2 deficiency. Last evaluated: 2018-06-29. Review status: criteria provided, single submitter. Criteria: ACMG Guidelines, 2015. Collection method: clinical testing. Allele origin: unknown. Affected: yes.
Comment: This variant was determined to be of uncertain significance according to ACMG Guidelines, 2015 [PMID:25741868].

NM_004946.3(DOCK2):c.2939T>C (p.Ile980Thr)

Gene: DOCK2 (dedicator of cytokinesis 2; plus strand). Cytogenetic location: 5q35.1.
Variant type: single nucleotide variant.
Coding change: c.2939T>C on transcript NM_004946.3 (MANE Select); coding-DNA position 2939, T replaced by C.
Protein change: p.Ile980Thr; replaces isoleucine 980 with threonine.
Molecular consequence: missense variant. On other transcripts: non-coding transcript variant (1).
Genome position (GRCh38, 1-based): chr5:169,985,868, T>C. VCF-style: chr5-169985868-T-C. GRCh37 (hg19) VCF-style: chr5-169412872-T-C.
Other names: short protein forms I980T.
Identifiers: ClinVar variation 721274 (VCV000721274.15), dbSNP rs148694888, ClinGen allele CA3554038.